The following is an entry in ClinVar:

NM_003922.4(HERC1):c.12729G>T (p.Lys4243Asn)

Gene: HERC1 (HECT and RLD domain containing E3 ubiquitin protein ligase family member 1; minus strand). Cytogenetic location: 15q22.31.
Variant type: single nucleotide variant.
Coding change: c.12729G>T on transcript NM_003922.4 (MANE Select); coding-DNA position 12729, G replaced by T.
Protein change: p.Lys4243Asn; replaces lysine 4243 with asparagine.
Molecular consequence: missense variant.
Genome position (GRCh38, 1-based): chr15:63,632,776, C>A on the plus strand (G>T on the coding strand, the complement: HERC1 is on the minus strand). VCF-style: chr15-63632776-C-A. GRCh37 (hg19) VCF-style: chr15-63924975-C-A.
Other names: short protein forms K4243N.
Identifiers: ClinVar variation 1716767 (VCV001716767.5), dbSNP rs2550973971, ClinGen allele CA392737985.
Genomic context (GRCh38, chr15:63,632,776, plus strand): 5'-AAAGGTATACACATGACCATCTTTGGTCAAAGCAACAGAAAACTGAGTTCCACAAGCAAC[C>A]TTTTTTATTCCAATTCCACAAAGGACGTCAATTTTCTACAAAATAAAAGTGTAAGGCACA-3'
Protein context (NP_003913.3, residues 4233-4253): IDVLCGIGIK[Lys4243Asn]VACGTQFSVA

ClinVar aggregate classification (germline): Uncertain significance (1 of 4 stars; one submission).

Allele frequency attached by ClinVar (database versions not stated): gnomAD exomes below 0.00001.

Submission:

Labcorp Genetics (formerly Invitae), Labcorp
Classification: Uncertain significance. Last evaluated: 2023-03-10. Review status: criteria provided, single submitter. Criteria: Invitae Variant Classification Sherloc (09022015). Collection method: clinical testing. Allele origin: germline.
Comment: This variant has not been reported in the literature in individuals affected with HERC1-related conditions. In summary, the available evidence is currently insufficient to determine the role of this variant in disease. Therefore, it has been classified as a Variant of Uncertain Significance. Advanced modeling of protein sequence and biophysical properties (such as structural, functional, and spatial information, amino acid conservation, physicochemical variation, residue mobility, and thermodynamic stability) has been performed at Invitae for this missense variant, however the output from this modeling did not meet the statistical confidence thresholds required to predict the impact of this variant on HERC1 protein function. ClinVar contains an entry for this variant (Variation ID: 1716767). This variant is not present in population databases (gnomAD no frequency). This sequence change replaces lysine, which is basic and polar, with asparagine, which is neutral and polar, at codon 4243 of the HERC1 protein (p.Lys4243Asn).